The following is an entry in ClinVar:

NM_005909.5(MAP1B):c.4463C>T (p.Pro1488Leu)

Gene: MAP1B (microtubule associated protein 1B; plus strand). Cytogenetic location: 5q13.2.
Variant type: single nucleotide variant.
Coding change: c.4463C>T on transcript NM_005909.5 (MANE Select); coding-DNA position 4463, C replaced by T.
Protein change: p.Pro1488Leu; replaces proline 1488 with leucine.
Molecular consequence: missense variant.
Genome position (GRCh38, 1-based): chr5:72,197,818, C>T. VCF-style: chr5-72197818-C-T. GRCh37 (hg19) VCF-style: chr5-71493645-C-T.
Other names: c.4085C>T, p.Pro1362Leu (NM_001324255.2); short protein forms P1362L, P1488L.
Identifiers: ClinVar variation 5017158 (VCV005017158.1).

ClinVar aggregate classification (germline): Uncertain significance (1 of 4 stars; one submission).

Submission:

GeneDx
Classification: Uncertain significance. Last evaluated: 2026-03-20. Review status: criteria provided, single submitter. Criteria: GeneDx Variant Classification Process June 2021. Collection method: clinical testing. Allele origin: germline.
Comment: Not observed at significant frequency in large population cohorts (gnomAD); In silico analysis suggests that this missense variant does not alter protein structure/function; Has not been previously published as pathogenic or benign to our knowledge